The following is an entry in ClinVar:

ClinVar aggregate classification (germline): Uncertain significance (1 of 4 stars; one submission).

Submission:

CeGaT Center for Human Genetics Tuebingen
Classification: Uncertain significance. Last evaluated: 2024-08-01. Review status: criteria provided, single submitter. Criteria: CeGaT Center For Human Genetics Tuebingen Variant Classification Criteria Version 2. Collection method: clinical testing. Allele origin: germline. Affected: yes. Observed: 1 variant allele.
Comment: FTH1: PM2

NM_002032.3(FTH1):c.273_274del (p.Cys91_Asp92delinsTer)

Genes: BEST1 (bestrophin 1; plus strand), FTH1 (ferritin heavy chain 1; minus strand). Cytogenetic location: 11q12.3.
Variant type: Microsatellite.
Coding change: c.273_274del on transcript NM_002032.3 (MANE Select); coding-DNA positions 273 to 274, 2 bases deleted (TG; older notation c.273_274delTG).
Protein change: p.Cys91_Asp92delinsTer.
Molecular consequence: nonsense.
Genome position (GRCh38, 1-based): chr11:61,965,100-61,965,101, CA deleted on the plus strand (TG on the coding strand, the reverse complement: FTH1 is on the minus strand); deleting any 2 consecutive bases within chr11:61,965,100-61,965,103 gives the same sequence; the c. name uses the placement nearest the transcript's 3' end. VCF-style (leftmost placement, unchanged base first): chr11-61965099-TCA-T. GRCh37 (hg19) VCF-style: chr11-61732571-TCA-T.
Identifiers: ClinVar variation 3342086 (VCV003342086.15).